The following is an entry in ClinVar:

ClinVar aggregate classification (germline): Pathogenic (1 of 4 stars; one submission).

Submission:

Labcorp Genetics (formerly Invitae), Labcorp
Classification: Pathogenic. Last evaluated: 2022-06-14. Review status: criteria provided, single submitter. Criteria: Invitae Variant Classification Sherloc (09022015). Collection method: clinical testing. Allele origin: germline.
Comment: For these reasons, this variant has been classified as Pathogenic. This variant has not been reported in the literature in individuals affected with USH2A-related conditions. This variant is not present in population databases (gnomAD no frequency). This sequence change creates a premature translational stop signal (p.Trp4253*) in the USH2A gene. It is expected to result in an absent or disrupted protein product. Loss-of-function variants in USH2A are known to be pathogenic (PMID: 10729113, 10909849, 20507924, 25649381).

Literature cited by the submitters: PubMed 10729113; PubMed 10909849; PubMed 20507924; PubMed 25649381.

NM_206933.4(USH2A):c.12759_12768del (p.Ser4252_Trp4253insTer)

Gene: USH2A (usherin; minus strand). Cytogenetic location: 1q41.
Variant type: Deletion.
Coding change: c.12759_12768del on transcript NM_206933.4 (MANE Select); coding-DNA positions 12759 to 12768, 10 bases deleted (GAATGTGGTG; older notation c.12759_12768delGAATGTGGTG).
Protein change: p.Ser4252_Trp4253insTer.
Molecular consequence: nonsense.
Genome position (GRCh38, 1-based): chr1:215,675,143-215,675,152, CACCACATTC deleted on the plus strand (GAATGTGGTG on the coding strand, the reverse complement: USH2A is on the minus strand); deleting any 10 consecutive bases within chr1:215,675,143-215,675,154 gives the same sequence; the c. name uses the placement nearest the transcript's 3' end. VCF-style (leftmost placement, unchanged base first): chr1-215675142-TCACCACATTC-T. GRCh37 (hg19) VCF-style: chr1-215848484-TCACCACATTC-T.
Identifiers: ClinVar variation 2006295 (VCV002006295.4), dbSNP rs2464898563, ClinGen allele CA2580062252.
Genomic context (GRCh38, chr1:215,675,142, plus strand): 5'-TCATAGAAACATAGGATATCACAGGTGGAGAGAGACCTTCTGGAGGTGCTTGCAATGTCC[TCACCACATTC>T]CAAGAGCTACAGGTATGCCCAGCTGAATTCCAAGTGTAGATTTTATATTCACACTGCGTC-3'